The following is an entry in ClinVar:

ClinVar aggregate classification (germline): Uncertain significance (1 of 4 stars; one submission).

Allele frequency attached by ClinVar (database versions not stated): gnomAD 0.00001; ExAC 0.00004.
gnomAD v4.1: 14 of 1,614,028 alleles (0.00087%); highest among the groups gnomAD compares: South Asian, 0.0077%; no homozygotes.

Submission:

Labcorp Genetics (formerly Invitae), Labcorp
Classification: Uncertain significance. Last evaluated: 2022-07-21. Review status: criteria provided, single submitter. Criteria: Invitae Variant Classification Sherloc (09022015). Collection method: clinical testing. Allele origin: germline.
Comment: This sequence change replaces alanine, which is neutral and non-polar, with threonine, which is neutral and polar, at codon 282 of the SPARC protein (p.Ala282Thr). In summary, the available evidence is currently insufficient to determine the role of this variant in disease. Therefore, it has been classified as a Variant of Uncertain Significance. Algorithms developed to predict the effect of missense changes on protein structure and function are either unavailable or do not agree on the potential impact of this missense change (SIFT: "Tolerated"; PolyPhen-2: "Probably Damaging"; Align-GVGD: "Class C0"). This variant has not been reported in the literature in individuals affected with SPARC-related conditions. This variant is present in population databases (rs532217814, gnomAD 0.01%).

NM_003118.4(SPARC):c.844G>A (p.Ala282Thr)

Genes: SPARC (secreted protein acidic and cysteine rich; minus strand), LOC126807556 (MED14-independent group 3 enhancer GRCh37_chr5:151042798-151043997; plus strand). Cytogenetic location: 5q33.1.
Variant type: single nucleotide variant.
Coding change: c.844G>A on transcript NM_003118.4 (MANE Select); coding-DNA position 844, G replaced by A.
Protein change: p.Ala282Thr; replaces alanine 282 with threonine.
Molecular consequence: missense variant.
Genome position (GRCh38, 1-based): chr5:151,664,126, C>T on the plus strand (G>A on the coding strand, the complement: SPARC is on the minus strand). VCF-style: chr5-151664126-C-T. GRCh37 (hg19) VCF-style: chr5-151043687-C-T.
Other names: c.841G>A, p.Ala281Thr (NM_001309443.2); c.844G>A, p.Ala282Thr (NM_001309444.2); short protein forms A282T, A281T.
Identifiers: ClinVar variation 1989409 (VCV001989409.4), dbSNP rs532217814, ClinGen allele CA3522558.